The following is an entry in ClinVar:

NM_006648.4(WNK2):c.5799C>G (p.Asn1933Lys)

Gene: WNK2 (WNK lysine deficient protein kinase 2; plus strand). Cytogenetic location: 9q22.31.
Variant type: single nucleotide variant.
Coding change: c.5799C>G on transcript NM_006648.4 (MANE Select); coding-DNA position 5799, C replaced by G.
Protein change: p.Asn1933Lys; replaces asparagine 1933 with lysine.
Molecular consequence: missense variant.
Genome position (GRCh38, 1-based): chr9:93,297,943, C>G. VCF-style: chr9-93297943-C-G. GRCh37 (hg19) VCF-style: chr9-96060225-C-G.
Other names: c.5910C>G, p.Asn1970Lys (NM_001282394.3); short protein forms N1933K, N1970K.
Identifiers: ClinVar variation 3470218 (VCV003470218.1).

ClinVar aggregate classification (germline): Uncertain significance (1 of 4 stars; one submission).

gnomAD v4.1: 19 of 1,587,314 alleles (0.0012%); highest among the groups gnomAD compares: Middle Eastern, 0.017%; no homozygotes.

Submission:

Ambry Genetics
Classification: Uncertain significance. Last evaluated: 2024-11-20. Review status: criteria provided, single submitter. Criteria: Ambry Variant Classification Scheme 2023. Collection method: clinical testing. Allele origin: germline.
Comment: The p.N1933K variant (also known as c.5799C>G), located in coding exon 23 of the WNK2 gene, results from a C to G substitution at nucleotide position 5799. The asparagine at codon 1933 is replaced by lysine, an amino acid with similar properties. This amino acid position is conserved. In addition, this alteration is predicted to be tolerated by in silico analysis. Based on the available evidence, the clinical significance of this variant remains unclear.